The following is an entry in ClinVar:

ClinVar aggregate classification (germline): Likely benign (1 of 4 stars; one submission).

Allele frequency attached by ClinVar (database versions not stated): gnomAD exomes below 0.00001.
gnomAD v4.1: 3 of 1,611,454 alleles (0.00019%); highest among the groups gnomAD compares: East Asian, 0.0022%; no homozygotes.

Submission:

GeneDx
Classification: Likely benign. Last evaluated: 2017-06-30. Review status: criteria provided, single submitter. Criteria: GeneDx Variant Classification (06012015). Collection method: clinical testing. Allele origin: germline. Affected: yes.
Comment: This variant is considered likely benign or benign based on one or more of the following criteria: it is a conservative change, it occurs at a poorly conserved position in the protein, it is predicted to be benign by multiple in silico algorithms, and/or has population frequency not consistent with disease.

NM_017882.3(CLN6):c.666-20C>T

Gene: CLN6 (CLN6 transmembrane ER protein; minus strand). Cytogenetic location: 15q23.
Variant type: single nucleotide variant.
Coding change: c.666-20C>T on transcript NM_017882.3 (MANE Select); 20 bases into the intron before coding-DNA position 666, C replaced by T.
Molecular consequence: intron variant.
Genome position (GRCh38, 1-based): chr15:68,208,430, G>A on the plus strand (C>T on the coding strand, the complement: CLN6 is on the minus strand). VCF-style: chr15-68208430-G-A. GRCh37 (hg19) VCF-style: chr15-68500768-G-A.
Identifiers: ClinVar variation 510644 (VCV000510644.1), dbSNP rs754129486, ClinGen allele CA618694013.